The following is an entry in ClinVar:

NC_012920.1(MT-TT):m.15904C>T

Gene: MT-TT (mitochondrially encoded tRNA threonine; plus strand).
Variant type: single nucleotide variant.
Genome position: chrM-15904-C-T.
Identifiers: ClinVar variation 690224 (VCV000690224.2), dbSNP rs35788393, ClinGen allele CA337100567.

ClinVar aggregate classification (germline): Benign/Likely benign. Review status: criteria provided, multiple submitters, no conflicts (2 of 4 stars). 2 submissions from 2 submitters: Benign (1); Likely benign (1). Last evaluated 2025-02-16.

Conditions:
MELAS syndrome (MELAS). Also called: Juvenile myopathy, encephalopathy, lactic acidosis, stroke. Identifiers: Orphanet 550, MedGen C0162671, MONDO:0010789, OMIM 540000.

Submissions (2):

Laboratory of Genetics, Children's Clinical University Hospital Latvia
Classification: Likely benign. Last evaluated: 2025-02-16. Review status: criteria provided, single submitter. Criteria: ACMG Guidelines, 2015. Collection method: clinical testing. Allele origin: germline. Affected: yes.

Wong Mito Lab, Molecular and Human Genetics, Baylor College of Medicine
Classification: Benign for MELAS syndrome. Last evaluated: 2019-07-12. Review status: criteria provided, single submitter. Criteria: Modified ACMG Guidelines (Unpublished). Collection method: clinical testing. Allele origin: germline.
Comment: The NC_012920.1:m.15904C>T variant in MT-TT gene is interpreted to be a Benign variant based on the modified ACMG guidelines (unpublished). This variant meets the following evidence codes reported in the guidelines: BS1, BS2, BP4

Literature cited by the submitters: PubMed 31965079 (cited by Wong Mito Lab, Molecular and Human Genetics, Baylor College of Medicine).